The following is an entry in ClinVar:

NM_006086.4(TUBB3):c.511C>A (p.Pro171Thr)

Gene: TUBB3 (tubulin beta 3 class III; plus strand). Cytogenetic location: 16q24.3.
Variant type: single nucleotide variant.
Coding change: c.511C>A on transcript NM_006086.4 (MANE Select); coding-DNA position 511, C replaced by A.
Protein change: p.Pro171Thr; replaces proline 171 with threonine.
Molecular consequence: missense variant.
Genome position (GRCh38, 1-based): chr16:89,934,962, C>A. VCF-style: chr16-89934962-C-A. GRCh37 (hg19) VCF-style: chr16-90001370-C-A.
Other names: c.295C>A, p.Pro99Thr (NM_001197181.2); short protein forms P171T, P99T.
Identifiers: ClinVar variation 4857864 (VCV004857864.1).

ClinVar aggregate classification (germline): Likely pathogenic (1 of 4 stars; one submission).

Conditions:
Fibrosis of extraocular muscles, congenital, 3A, with or without extraocular involvement. Also called: FEOM3 LOCUS; CONGENITAL FIBROSIS OF EXTRAOCULAR MUSCLES 3A. Identifiers: MedGen C2748801, MONDO:0010912, OMIM 600638.

Submission:

Department of Clinical Genetics, Aarhus University Hospital
Classification: Likely pathogenic for Fibrosis of extraocular muscles, congenital, 3A, with or without extraocular involvement. Last evaluated: 2025-08-29. Review status: criteria provided, single submitter. Criteria: ACMG Guidelines, 2015. Collection method: clinical testing. Allele origin: maternal. Inheritance: Autosomal dominant inheritance. Affected: yes. Observed: 3 variant alleles.
Comment: The variant is a missense variant. The variant is not seen in the gnomAD 4.1 database. To our knowledge the variant has not been reported in the literature in individuals with TUBB3-related disorder. In silico tools (AlphaMissense, REVEL) predict a damaging effect of the variant on protein function. Missense constraint of the gene is above threshold (Z=5.67). According to the ACMG guidelines, this variant is interpreted as likely pathogenic (PM2_supporting, PP3_strong, PP2_supporting).